The following is an entry in ClinVar:

ClinVar aggregate classification (germline): Pathogenic (1 of 4 stars; one submission).

Conditions:
LAMA2-related muscular dystrophy (LAMA2-RD). Also called: Laminin alpha 2-related dystrophy. Identifiers: MedGen C5679788, MONDO:0100228.

Submission:

Myriad Genetics, Inc.
Classification: Pathogenic for LAMA2-related muscular dystrophy. Last evaluated: 2023-11-16. Review status: criteria provided, single submitter. Criteria: Myriad Autosomal Dominant, Autosomal Recessive and X-Linked Classification Criteria (2023). Collection method: clinical testing. Allele origin: unknown.
Comment: NM_000426.3(LAMA2):c.4572C>A(C1524*) is expected to be pathogenic in the context of muscular dystrophy, LAMA2-related. This variant is predicted to lead to an abnormal or absent protein product due to the creation of a premature termination codon in LAMA2, a gene where loss-of-function variants are known to be pathogenic. Please note: this variant was assessed in the context of healthy population screening.

NM_000426.4(LAMA2):c.4572C>A (p.Cys1524Ter)

Gene: LAMA2 (laminin subunit alpha 2; plus strand). Cytogenetic location: 6q22.33.
Variant type: single nucleotide variant.
Coding change: c.4572C>A on transcript NM_000426.4 (MANE Select); coding-DNA position 4572, C replaced by A.
Protein change: p.Cys1524Ter; replaces cysteine 1524 with a stop codon.
Molecular consequence: nonsense.
Genome position (GRCh38, 1-based): chr6:129,353,212, C>A. VCF-style: chr6-129353212-C-A. GRCh37 (hg19) VCF-style: chr6-129674357-C-A.
Other names: c.4572C>A, p.Cys1524Ter (NM_001079823.2); short protein forms C1524*.
Identifiers: ClinVar variation 5012488 (VCV005012488.1).